The following is an entry in ClinVar:

NM_000052.7(ATP7A):c.543C>A (p.Thr181=)

Gene: ATP7A (ATPase copper transporting alpha; plus strand). Cytogenetic location: Xq21.1.
Variant type: single nucleotide variant.
Coding change: c.543C>A on transcript NM_000052.7 (MANE Select); coding-DNA position 543, C replaced by A.
Protein change: p.Thr181=; no amino-acid change (threonine 181 retained).
Molecular consequence: synonymous variant.
Genome position (GRCh38, 1-based): chrX:77,988,664, C>A. VCF-style: chrX-77988664-C-A. GRCh37 (hg19) VCF-style: chrX-77244160-C-A.
Other names: c.543C>A, p.Thr181= (NM_001282224.2).
Identifiers: ClinVar variation 3905798 (VCV003905798.10).

ClinVar aggregate classification (germline): Likely benign (1 of 4 stars; one submission).

Submission:

CeGaT Center for Human Genetics Tuebingen
Classification: Likely benign. Last evaluated: 2025-05-01. Review status: criteria provided, single submitter. Criteria: CeGaT Center For Human Genetics Tuebingen Variant Classification Criteria Version 2. Collection method: clinical testing. Allele origin: germline. Affected: yes. Observed: 1 variant allele.
Comment: ATP7A: PM2:Supporting, BP4, BP7